The following is an entry in ClinVar:

ClinVar aggregate classification (germline): Uncertain significance. Review status: criteria provided, multiple submitters, no conflicts (2 of 4 stars). 2 submissions from 2 submitters: Uncertain significance (2). Last evaluated 2024-09-28.

Conditions:
Renal cell carcinoma. Identifiers: Orphanet 217071, MedGen C0007134, MeSH D002292, MONDO:0005086, HP:0005584.
Hereditary cancer-predisposing syndrome. Also called: Tumor predisposition; Hereditary neoplastic syndrome; Neoplastic Syndromes, Hereditary; Hereditary Cancer Syndrome. Identifiers: Orphanet 140162, MedGen C0027672, MeSH D009386, MONDO:0015356.

Submissions (2):

Ambry Genetics
Classification: Uncertain significance for Hereditary cancer-predisposing syndrome. Last evaluated: 2024-09-28. Review status: criteria provided, single submitter. Criteria: Ambry Variant Classification Scheme 2023. Collection method: clinical testing. Allele origin: germline.
Comment: The c.738dupC variant, located in coding exon 1 of the MET gene, results from a duplication of C at nucleotide position 738, causing a translational frameshift with a predicted alternate stop codon (p.I247Hfs*2). This alteration is expected to result in protein truncation or nonsense-mediated mRNA decay. However, loss of function of MET has not been established as a mechanism of disease. Based on the available evidence, the clinical significance of this alteration remains unclear.

Labcorp Genetics (formerly Invitae), Labcorp
Classification: Uncertain significance for Renal cell carcinoma. Last evaluated: 2018-12-16. Review status: criteria provided, single submitter. Criteria: Invitae Variant Classification Sherloc (09022015). Collection method: clinical testing. Allele origin: germline.
Comment: In summary, the available evidence is currently insufficient to determine the role of this variant in disease. Therefore, it has been classified as a Variant of Uncertain Significance. The current clinical and genetic evidence is not sufficient to establish whether loss-of-function variants in MET cause disease. This variant has not been reported in the literature in individuals with MET-related conditions. This variant is not present in population databases (ExAC no frequency). This sequence change creates a premature translational stop signal (p.Ile247Hisfs*2) in the MET gene. It is expected to result in an absent or disrupted protein product.

NM_000245.4(MET):c.738dup (p.Ile247fs)

Gene: MET (MET proto-oncogene, receptor tyrosine kinase; plus strand). Cytogenetic location: 7q31.2.
Variant type: Duplication.
Coding change: c.738dup on transcript NM_000245.4 (MANE Select); coding-DNA position 738, one base duplicated (C; older notation c.738dupC).
Protein change: p.Ile247fs; shifts the reading frame from isoleucine 247.
Molecular consequence: frameshift variant. On other transcripts: intron variant (1).
Genome position (GRCh38, 1-based): chr7:116,699,822, C duplicated; the last of 4 consecutive C bases (chr7:116,699,819-116,699,822); duplicating any one gives the same sequence. VCF-style (leftmost placement, unchanged base first): chr7-116699818-A-AC. GRCh37 (hg19) VCF-style: chr7-116339872-A-AC.
Other names: c.738dup, p.Ile247fs (NM_001127500.3, NM_001324401.3); c.-91+27245dup (NM_001324402.2); c.738dupC (NM_001127500.1); short protein forms I247fs.
Identifiers: ClinVar variation 665838 (VCV000665838.9), dbSNP rs1584877533, ClinGen allele CA915945419.